The following is an entry in ClinVar:

NM_003850.3(SUCLA2):c.1099G>T (p.Asp367Tyr)

Gene: SUCLA2 (succinate-CoA ligase ADP-forming subunit beta; minus strand). Cytogenetic location: 13q14.2.
Variant type: single nucleotide variant.
Coding change: c.1099G>T on transcript NM_003850.3 (MANE Select); coding-DNA position 1099, G replaced by T.
Protein change: p.Asp367Tyr; replaces aspartic acid 367 with tyrosine.
Molecular consequence: missense variant.
Genome position (GRCh38, 1-based): chr13:47,954,148, C>A on the plus strand (G>T on the coding strand, the complement: SUCLA2 is on the minus strand). VCF-style: chr13-47954148-C-A. GRCh37 (hg19) VCF-style: chr13-48528283-C-A.
Other names: short protein forms D367Y.
Identifiers: ClinVar variation 2107408 (VCV002107408.4), dbSNP rs117412559, ClinGen allele CA388145140.

ClinVar aggregate classification (germline): Uncertain significance (1 of 4 stars; one submission).

Conditions:
Mitochondrial DNA depletion syndrome, encephalomyopathic form with methylmalonic aciduria (MTDPS5). Also called: SUCLA2-Related Mitochondrial DNA Depletion Syndrome, Encephalomyopathic Form with Methylmalonic Aciduria; Mitochondrial encephalomyopathy aminoacidopathy; MITOCHONDRIAL DNA DEPLETION SYNDROME, ENCEPHALOMYOPATHIC FORM, WITH OR WITHOUT METHYLMALONIC ACIDURIA, AUTOSOMAL RECESSIVE, SUCLA2-RELATED; Mitochondrial DNA depletion syndrome 5 (encephalomyopathic with or without methylmalonic aciduria). Identifiers: Orphanet 1933, MedGen C5980207, MONDO:0012791, OMIM 612073.

Submission:

Labcorp Genetics (formerly Invitae), Labcorp
Classification: Uncertain significance for Mitochondrial DNA depletion syndrome, encephalomyopathic form with methylmalonic aciduria. Last evaluated: 2022-03-06. Review status: criteria provided, single submitter. Criteria: Invitae Variant Classification Sherloc (09022015). Collection method: clinical testing. Allele origin: germline.
Comment: This variant has not been reported in the literature in individuals affected with SUCLA2-related conditions. This sequence change replaces aspartic acid, which is acidic and polar, with tyrosine, which is neutral and polar, at codon 367 of the SUCLA2 protein (p.Asp367Tyr). This variant is not present in population databases (gnomAD no frequency). Algorithms developed to predict the effect of missense changes on protein structure and function (SIFT, PolyPhen-2, Align-GVGD) all suggest that this variant is likely to be disruptive. In summary, the available evidence is currently insufficient to determine the role of this variant in disease. Therefore, it has been classified as a Variant of Uncertain Significance.